The following is an entry in ClinVar:

NM_013275.6(ANKRD11):c.2828_2829del (p.Glu943fs)

Gene: ANKRD11 (ankyrin repeat domain 11; minus strand). Cytogenetic location: 16q24.3.
Variant type: Microsatellite.
Coding change: c.2828_2829del on transcript NM_013275.6 (MANE Select); coding-DNA positions 2828 to 2829, 2 bases deleted (AG; older notation c.2828_2829delAG).
Protein change: p.Glu943fs; shifts the reading frame from glutamic acid 943.
Molecular consequence: frameshift variant.
Genome position (GRCh38, 1-based): chr16:89,283,713-89,283,714, CT deleted on the plus strand (AG on the coding strand, the reverse complement: ANKRD11 is on the minus strand); deleting any 2 consecutive bases within chr16:89,283,713-89,283,719 gives the same sequence; the c. name uses the placement nearest the transcript's 3' end. VCF-style (leftmost placement, unchanged base first): chr16-89283712-ACT-A. GRCh37 (hg19) VCF-style: chr16-89350120-ACT-A.
Other names: c.2828_2829del, p.Glu943fs (NM_001256182.2, NM_001256183.2); short protein forms E943fs.
Identifiers: ClinVar variation 2636561 (VCV002636561.4), dbSNP rs1597459077, ClinGen allele CA2695201162.

ClinVar aggregate classification (germline): Pathogenic/Likely pathogenic. Review status: criteria provided, multiple submitters, no conflicts (2 of 4 stars). 2 submissions from 2 submitters: Pathogenic (1); Likely pathogenic (1). Last evaluated 2024-10-22.

Conditions:
KBG syndrome (KBGS). Also called: ANKRD11-Related KBG Syndrome. Identifiers: Orphanet 2332, MedGen C0220687, MONDO:0007846, OMIM 148050.
ANKRD11-related disorder. Also called: ANKRD11-related condition.

Submissions (2):

Labcorp Genetics (formerly Invitae), Labcorp
Classification: Pathogenic for KBG syndrome. Last evaluated: 2024-10-22. Review status: criteria provided, single submitter. Criteria: Invitae Variant Classification Sherloc (09022015). Collection method: clinical testing. Allele origin: germline.
Comment: This sequence change creates a premature translational stop signal (p.Glu943Valfs*74) in the ANKRD11 gene. It is expected to result in an absent or disrupted protein product. Loss-of-function variants in ANKRD11 are known to be pathogenic (PMID: 21782149, 25125236, 25413698, 25652421). This variant is not present in population databases (gnomAD no frequency). This premature translational stop signal has been observed in individual(s) with KBG syndrome (PMID: 34440431). ClinVar contains an entry for this variant (Variation ID: 2636561). For these reasons, this variant has been classified as Pathogenic.

PreventionGenetics, part of Exact Sciences
Classification: Likely pathogenic for ANKRD11-related condition. Last evaluated: 2022-09-13. Review status: criteria provided, single submitter. Criteria: ACMG Guidelines, 2015. Collection method: clinical testing. Allele origin: germline.
Comment: The ANKRD11 c.2828_2829delAG variant is predicted to result in a frameshift and premature protein termination (p.Glu943Valfs*74). This variant was reported in an individual with KBG syndrome (Patient 8, Kutkowska-Kazmierczak et al. 2021. PubMed ID: 34440431). This variant has not been reported in a large population database, indicating this variant is rare. Frameshift variants in ANKRD11 are expected to be pathogenic. This variant is interpreted as likely pathogenic.

Literature cited by the submitters: PubMed 21782149 (cited by Labcorp Genetics (formerly Invitae), Labcorp); PubMed 25125236 (cited by Labcorp Genetics (formerly Invitae), Labcorp); PubMed 25413698 (cited by Labcorp Genetics (formerly Invitae), Labcorp); PubMed 25652421 (cited by Labcorp Genetics (formerly Invitae), Labcorp); PubMed 34440431 (cited by Labcorp Genetics (formerly Invitae), Labcorp).